The following is an entry in ClinVar:

ClinVar aggregate classification (germline): Pathogenic (1 of 4 stars; one submission).

Conditions:
Coffin-Siris syndrome 1 (CSS1). Also called: Mental retardation, autosomal dominant 12; ARID1B-Related Coffin-Siris Syndrome. Identifiers: Orphanet 1465, MedGen C3281201, MONDO:0007617, OMIM 135900. Disease mechanism: gain of function.

Submission:

Broad Center for Mendelian Genomics, Broad Institute of MIT and Harvard
Classification: Pathogenic for Coffin-Siris syndrome 1. Last evaluated: 2023-08-24. Review status: criteria provided, single submitter. Criteria: ACMG/ClinGen CNV Guidelines, 2019. Collection method: research. Allele origin: de novo. Inheritance: Autosomal dominant inheritance. Affected: yes.
Comment: These breakpoints have been estimated by exome sequencing only and therefore may not reflect the true breakpoints. The patient phenotype is nonspecific, but is consistent with cases described in the literature and/or published databases with overlapping variants. This intragenic variant is predicted to cause a frameshift, which alters the protein’s amino acid sequence beginning at exon 5 and leads to a premature termination codon. This alteration is then predicted to lead to a truncated or absent. This ARID1B gene is known to be haploinsufficient, and has been assessed by the ClinGen Dosage Sensitivity Working Group. In summary, this variant meets criteria to be classified as pathogenic for autosomal dominant Coffin-Siris syndrome syndrome. The ACMG/ClinGen evidence codes and points used in this curation are as follows: 1: 0 points, 2: 0.90 points, 3: 0 points, 4-5: 0.15 points; Total: 1.05 points; Riggs 2020 (PMID: 31690835).

GRCh38/hg38 6q25.3(chr6:157036218-157111403)x1

Genes: ARID1B (AT-rich interaction domain 1B; plus strand), LOC129389697 (MPRA-validated peak6251 silencer; plus strand), LOC129389698 (MPRA-validated peak6252 silencer; plus strand), LOC129997538 (ATAC-STARR-seq lymphoblastoid active region 25326; plus strand), LOC129997539 (ATAC-STARR-seq lymphoblastoid active region 25327; plus strand) and 1 more. Cytogenetic location: 6q25.3.
Variant type: copy number loss.
Change: copy number 1 (one copy instead of two) of chr6:157,036,218-157,111,403 (75.2 kb, GRCh38 coordinates, 1-based), cytogenetic band 6q25.3.
Identifiers: ClinVar variation 2579169 (VCV002579169.1).